The following is an entry in ClinVar:

NM_001387283.1(SMARCA4):c.4228T>A (p.Phe1410Ile)

Gene: SMARCA4 (SWI/SNF related BAF chromatin remodeling complex subunit ATPase 4; plus strand). Cytogenetic location: 19p13.2.
Variant type: single nucleotide variant.
Coding change: c.4228T>A on transcript NM_001387283.1 (MANE Plus Clinical); coding-DNA position 4228, T replaced by A.
Protein change: p.Phe1410Ile; replaces phenylalanine 1410 with isoleucine.
Molecular consequence: missense variant. On other transcripts: intron variant (7).
Genome position (GRCh38, 1-based): chr19:11,039,515, T>A. VCF-style: chr19-11039515-T-A. GRCh37 (hg19) VCF-style: chr19-11150191-T-A.
Other names: c.4228T>A, p.Phe1410Ile (NM_001128849.3); c.4129T>A, p.Phe1377Ile (NM_001411150.1); c.4171-1792T>A (NM_001128844.3, NM_003072.5); c.4072-1792T>A (NM_001128847.4, NM_001374457.1, NM_001128848.2); c.4072-1783T>A (NM_001128845.2, NM_001128846.2); short protein forms F1410I, F1377I.
Identifiers: ClinVar variation 2876622 (VCV002876622.3), dbSNP rs2515443473, ClinGen allele CA404071602.

ClinVar aggregate classification (germline): Uncertain significance (1 of 4 stars; one submission).

Conditions:
Rhabdoid tumor predisposition syndrome 2 (RTPS2). Identifiers: Orphanet 231108, Orphanet 69077, MedGen C2750074, MONDO:0013224, OMIM 613325.

Submission:

Labcorp Genetics (formerly Invitae), Labcorp
Classification: Uncertain significance for Rhabdoid tumor predisposition syndrome 2. Last evaluated: 2023-01-04. Review status: criteria provided, single submitter. Criteria: Invitae Variant Classification Sherloc (09022015). Collection method: clinical testing. Allele origin: germline.
Comment: This sequence change replaces phenylalanine, which is neutral and non-polar, with isoleucine, which is neutral and non-polar, at codon 1410 of the SMARCA4 protein (p.Phe1410Ile). This variant is not present in population databases (gnomAD no frequency). In summary, the available evidence is currently insufficient to determine the role of this variant in disease. Therefore, it has been classified as a Variant of Uncertain Significance. Algorithms developed to predict the effect of missense changes on protein structure and function (SIFT, PolyPhen-2, Align-GVGD) all suggest that this variant is likely to be tolerated. This variant has not been reported in the literature in individuals affected with SMARCA4-related conditions.